The following is an entry in ClinVar:

ClinVar aggregate classification (germline): Uncertain significance (1 of 4 stars; one submission).

Conditions:
Charcot-Marie-Tooth disease, axonal, IIa 2II. Also called: CHARCOT-MARIE-TOOTH NEUROPATHY, TYPE 2II; Charcot-Marie-Tooth disease, axonal, type 2II; Charcot-marie-tooth disease, axonal,IIa 2II. Identifiers: MedGen C5774227, MONDO:0031068, OMIM 620068.
Agenesis of the corpus callosum with peripheral neuropathy (ACCPN). Also called: CHARLEVOIX DISEASE; POLYNEUROPATHY, SENSORIMOTOR, WITH OR WITHOUT AGENESIS OF THE CORPUS CALLOSUM; HMSN/ACC; Hereditary Motor and Sensory Neuropathy with Agenesis of the Corpus Callosum. Identifiers: Orphanet 1496, MedGen C0795950, MONDO:0000902, OMIM 218000. Disease mechanism: loss of function.

Submission:

Juno Genomics, Hangzhou Juno Genomics, Inc
Classification: Uncertain significance for Charcot-Marie-Tooth disease, axonal, IIa 2II; Agenesis of the corpus callosum with peripheral neuropathy. Review status: criteria provided, single submitter. Criteria: ACMG Guidelines, 2015. Collection method: clinical testing. Allele origin: germline.
Comment: Absent from controls (or at extremely low frequency if recessive) in Genome Aggregation Database.;Missense variant in a gene that has a low rate of benign missense variation.;Multiple lines of computational evidence support a deleterious effect on the gene or gene product.

NM_001365088.1(SLC12A6):c.1028T>G (p.Phe343Cys)

Gene: SLC12A6 (solute carrier family 12 member 6; minus strand). Cytogenetic location: 15q14.
Variant type: single nucleotide variant.
Coding change: c.1028T>G on transcript NM_001365088.1 (MANE Select); coding-DNA position 1028, T replaced by G.
Protein change: p.Phe343Cys; replaces phenylalanine 343 with cysteine.
Molecular consequence: missense variant.
Genome position (GRCh38, 1-based): chr15:34,254,438, A>C on the plus strand (T>G on the coding strand, the complement: SLC12A6 is on the minus strand). VCF-style: chr15-34254438-A-C. GRCh37 (hg19) VCF-style: chr15-34546639-A-C.
Other names: c.851T>G, p.Phe284Cys (NM_001042494.2, NM_001042495.2); c.1001T>G, p.Phe334Cys (NM_001042496.2); c.983T>G, p.Phe328Cys (NM_001042497.2); c.875T>G, p.Phe292Cys (NM_005135.2); c.1028T>G, p.Phe343Cys (NM_133647.2); short protein forms F292C, F343C, F328C, F334C, F284C.
Identifiers: ClinVar variation 5005387 (VCV005005387.2).